The following is an entry in ClinVar:

ClinVar aggregate classification (germline): Uncertain significance (1 of 4 stars; one submission).

gnomAD v4.1: 13 of 1,613,736 alleles (0.00081%); highest among the groups gnomAD compares: African/African-American, 0.0013%; no homozygotes.

Submission:

Labcorp Genetics (formerly Invitae), Labcorp
Classification: Uncertain significance. Last evaluated: 2025-11-21. Review status: criteria provided, single submitter. Criteria: Invitae Variant Classification Sherloc (09022015). Collection method: clinical testing. Allele origin: germline.
Comment: This sequence change replaces alanine, which is neutral and non-polar, with valine, which is neutral and non-polar, at codon 909 of the ANK3 protein (p.Ala909Val). This variant is present in population databases (rs768866559, gnomAD 0.0009%). This variant has not been reported in the literature in individuals affected with ANK3-related conditions. Invitae Evidence Modeling of protein sequence and biophysical properties (such as structural, functional, and spatial information, amino acid conservation, physicochemical variation, residue mobility, and thermodynamic stability) indicates that this missense variant is not expected to disrupt ANK3 protein function with a negative predictive value of 80%. In summary, the available evidence is currently insufficient to determine the role of this variant in disease. Therefore, it has been classified as a Variant of Uncertain Significance.

NM_020987.5(ANK3):c.2726C>T (p.Ala909Val)

Gene: ANK3 (ankyrin 3; minus strand). Cytogenetic location: 10q21.2.
Variant type: single nucleotide variant.
Coding change: c.2726C>T on transcript NM_020987.5 (MANE Select); coding-DNA position 2726, C replaced by T.
Protein change: p.Ala909Val; replaces alanine 909 with valine.
Molecular consequence: missense variant.
Genome position (GRCh38, 1-based): chr10:60,138,976, G>A on the plus strand (C>T on the coding strand, the complement: ANK3 is on the minus strand). VCF-style: chr10-60138976-G-A. GRCh37 (hg19) VCF-style: chr10-61898734-G-A.
Other names: c.128C>T, p.Ala43Val (NM_001149.4); c.2708C>T, p.Ala903Val (NM_001204403.2); c.2729C>T, p.Ala910Val (NM_001204404.2); c.2726C>T, p.Ala909Val (NM_001320874.2); short protein forms A903V, A909V, A43V, A910V.
Identifiers: ClinVar variation 4765567 (VCV004765567.1).